The following is an entry in ClinVar:

ClinVar aggregate classification (germline): Uncertain significance. Review status: criteria provided, multiple submitters, no conflicts (2 of 4 stars). 2 submissions from 2 submitters: Uncertain significance (2). Last evaluated 2022-06-25.

Conditions:
Inborn genetic diseases. Identifiers: MedGen C0950123, MeSH D030342.

Allele frequency attached by ClinVar (database versions not stated): gnomAD 0.00002; TOPMed 0.00002; gnomAD exomes 0.00007; ESP Exome Variant Server 0.00008; ExAC 0.00021.
gnomAD v4.1: 102 of 1,614,012 alleles (0.0063%); highest among the groups gnomAD compares: Non-Finnish European, 0.0077%; no homozygotes.

Submissions (2):

Labcorp Genetics (formerly Invitae), Labcorp
Classification: Uncertain significance. Last evaluated: 2022-06-25. Review status: criteria provided, single submitter. Criteria: Invitae Variant Classification Sherloc (09022015). Collection method: clinical testing. Allele origin: germline.
Comment: This sequence change replaces serine, which is neutral and polar, with leucine, which is neutral and non-polar, at codon 190 of the PISD protein (p.Ser190Leu). This variant is present in population databases (rs142945357, gnomAD 0.03%). This variant has not been reported in the literature in individuals affected with PISD-related conditions. Algorithms developed to predict the effect of missense changes on protein structure and function are either unavailable or do not agree on the potential impact of this missense change (SIFT: "Not Available"; PolyPhen-2: "Possibly Damaging"; Align-GVGD: "Not Available"). In summary, the available evidence is currently insufficient to determine the role of this variant in disease. Therefore, it has been classified as a Variant of Uncertain Significance.

Ambry Genetics
Classification: Uncertain significance for Inborn genetic diseases. Last evaluated: 2022-04-07. Review status: criteria provided, single submitter. Criteria: Ambry Variant Classification Scheme 2023. Collection method: clinical testing. Allele origin: germline.

NM_001326411.2(PISD):c.569C>T (p.Ser190Leu)

Gene: PISD (phosphatidylserine decarboxylase; minus strand). Cytogenetic location: 22q12.2.
Variant type: single nucleotide variant.
Coding change: c.569C>T on transcript NM_001326411.2 (MANE Select); coding-DNA position 569, C replaced by T.
Protein change: p.Ser190Leu; replaces serine 190 with leucine.
Molecular consequence: missense variant.
Genome position (GRCh38, 1-based): chr22:31,621,462, G>A on the plus strand (C>T on the coding strand, the complement: PISD is on the minus strand). VCF-style: chr22-31621462-G-A. GRCh37 (hg19) VCF-style: chr22-32017448-G-A.
Other names: c.506C>T, p.Ser169Leu (NM_001326412.1, NM_001326413.2, NM_001326414.2); c.467C>T, p.Ser156Leu (NM_001326415.2, NM_001326416.2, NM_001326417.2 and 3 more transcripts); c.389C>T, p.Ser130Leu (NM_001326418.2, NM_001326420.2); c.569C>T, p.Ser190Leu (NM_001326421.1); short protein forms S156L, S169L, S130L, S190L.
Identifiers: ClinVar variation 2082431 (VCV002082431.5), dbSNP rs142945357, ClinGen allele CA10194732.